The following is an entry in ClinVar:

ClinVar aggregate classification (germline): Pathogenic/Likely pathogenic. Review status: criteria provided, multiple submitters, no conflicts (2 of 4 stars). 3 submissions from 3 submitters: Pathogenic (2); Likely pathogenic (1). Last evaluated 2024-04-18.

Conditions:
Neurodevelopmental disorder. Identifiers: MedGen C1535926, MeSH D065886, MONDO:0700092.

gnomAD v4.1: 1 of 1,613,948 alleles (0.000062%); no homozygotes.

Submissions (3):

GeneDx
Classification: Pathogenic. Last evaluated: 2024-04-18. Review status: criteria provided, single submitter. Criteria: GeneDx Variant Classification Process June 2021. Collection method: clinical testing. Allele origin: germline.
Comment: Nonsense variant predicted to result in protein truncation or nonsense mediated decay in a gene for which loss of function is a known mechanism of disease; Not observed at significant frequency in large population cohorts (gnomAD); This variant is associated with the following publications: (PMID: 35358416, 37926713)

CeGaT Center for Human Genetics Tuebingen
Classification: Pathogenic. Last evaluated: 2023-12-01. Review status: criteria provided, single submitter. Criteria: CeGaT Center For Human Genetics Tuebingen Variant Classification Criteria Version 2. Collection method: clinical testing. Allele origin: germline. Affected: yes. Observed: 3 variant alleles.
Comment: ATP2B1: PS2, PVS1:Strong, PM2, PS4:Supporting

Institute of Human Genetics, University of Leipzig Medical Center
Classification: Likely pathogenic for Neurodevelopmental disorder. Last evaluated: 2022-04-11. Review status: criteria provided, single submitter. Criteria: ACMG Guidelines, 2015. Collection method: clinical testing. Allele origin: unknown. Affected: yes.
Comment: Criteria applied: PVS1, PM2_SUP3

Literature cited by the submitters: PubMed 35358416 (cited by Institute of Human Genetics, University of Leipzig Medical Center).

NM_001366521.1(ATP2B1):c.1789C>T (p.Arg597Ter)

Gene: ATP2B1 (ATPase plasma membrane Ca2+ transporting 1; minus strand). Cytogenetic location: 12q21.33.
Variant type: single nucleotide variant.
Coding change: c.1789C>T on transcript NM_001366521.1 (MANE Select); coding-DNA position 1789, C replaced by T.
Protein change: p.Arg597Ter; replaces arginine 597 with a stop codon.
Molecular consequence: nonsense.
Genome position (GRCh38, 1-based): chr12:89,620,039, G>A on the plus strand (C>T on the coding strand, the complement: ATP2B1 is on the minus strand). VCF-style: chr12-89620039-G-A. GRCh37 (hg19) VCF-style: chr12-90013816-G-A.
Other names: c.1789C>T (NM_001682.2); c.1789C>T, p.Arg597Ter (NM_001001323.2, NM_001366520.1, NM_001366522.1 and 8 more transcripts); c.1591C>T, p.Arg531Ter (NM_001366530.1); c.1228C>T, p.Arg410Ter (NM_001366531.1, NM_001366532.1); short protein forms R410*, R531*, R597*.
Identifiers: ClinVar variation 1679167 (VCV001679167.31), dbSNP rs1879711772, ClinGen allele CA386124735.